The following is an entry in ClinVar:

ClinVar aggregate classification (germline): Likely pathogenic (1 of 4 stars; one submission).

Submission:

Dasa
Classification: Likely pathogenic. Last evaluated: 2025-07-16. Review status: criteria provided, single submitter. Criteria: DASA Assertion Criteria. Collection method: clinical testing. Allele origin: germline.
Comment: NM_000303.3(PMM2):c.221dup (p.Ala75Serfs*10) is a frameshift variant in PMM2 predicted to alter the reading frame and introduce a premature termination codon and is predicted to result in an absent or altered protein product. Loss of function is an established disease mechanism for PMM2-associated disorders. Also, this variant is rare in population databases. Based on the currently available evidence, this variant is classified as likely pathogenic.

NM_000303.3(PMM2):c.221dup (p.Ala75fs)

Gene: PMM2 (phosphomannomutase 2; plus strand). Cytogenetic location: 16p13.2.
Variant type: Duplication.
Coding change: c.221dup on transcript NM_000303.3 (MANE Select); coding-DNA position 221, one base duplicated (T; older notation c.221dupT).
Protein change: p.Ala75fs; shifts the reading frame from alanine 75.
Molecular consequence: frameshift variant.
Genome position (GRCh38, 1-based): chr16:8,804,809, T duplicated. VCF-style (leftmost placement, unchanged base first): chr16-8804808-G-GT. GRCh37 (hg19) VCF-style: chr16-8898665-G-GT.
Other names: short protein forms A75fs.
Identifiers: ClinVar variation 4886499 (VCV004886499.2).